The following is an entry in ClinVar:

ClinVar aggregate classification (germline): Uncertain significance. Review status: criteria provided, multiple submitters, no conflicts (2 of 4 stars). 3 submissions from 3 submitters: Uncertain significance (2). 1 of the submissions does not count toward it. Last evaluated 2026-08-06.

Allele frequency attached by ClinVar (database versions not stated): ExAC 0.00002; gnomAD exomes 0.00002; TOPMed 0.00005; gnomAD 0.00006.
gnomAD v4.1: 42 of 1,613,198 alleles (0.0026%); highest among the groups gnomAD compares: Non-Finnish European, 0.0036%; no homozygotes.

Submissions (3):

OLLIN Analises Genomicas, OLLIN
Classification: Uncertain significance. Last evaluated: 2026-08-06. Review status: criteria provided, single submitter. Criteria: ACMG Guidelines 2015 PMID 25741868. Collection method: clinical testing. Allele origin: germline.
Comment: This missense variant, located in exon 4 (of 35), has been reported in ClinVar (accession VCV002348938.2) and in gnomAD with an allele frequency of 0.0026%. However, to our knowledge, it has not been reported in the scientific literature. In silico analysis predicts that this variant has a deleterious effect. This gene is constrained for missense variation. According to the currently available evidence, this variant has been classified as uncertain significance (PM2_P, PP2, PP3_M).

Ambry Genetics
Classification: Uncertain significance. Last evaluated: 2021-12-20. Review status: criteria provided, single submitter. Criteria: Ambry Variant Classification Scheme 2023. Collection method: clinical testing. Allele origin: germline.

Diagnostics Centre, Carl Von Ossietzky University Oldenburg
Classification: Likely pathogenic. Last evaluated: 2026-02-27. Review status: no assertion criteria provided. Collection method: clinical testing. Allele origin: germline. Affected: yes. Observed: 1 variant allele, 1 compound heterozygote. Not counted in ClinVar's aggregate classification.

NM_001407.3(CELSR3):c.4735T>G (p.Ser1579Ala)

Gene: CELSR3 (cadherin EGF LAG seven-pass G-type receptor 3; minus strand). Cytogenetic location: 3p21.31.
Variant type: single nucleotide variant.
Coding change: c.4735T>G on transcript NM_001407.3 (MANE Select); coding-DNA position 4735, T replaced by G.
Protein change: p.Ser1579Ala; replaces serine 1579 with alanine.
Molecular consequence: missense variant.
Genome position (GRCh38, 1-based): chr3:48,655,742, A>C on the plus strand (T>G on the coding strand, the complement: CELSR3 is on the minus strand). VCF-style: chr3-48655742-A-C. GRCh37 (hg19) VCF-style: chr3-48693175-A-C.
Other names: short protein forms S1579A.
Identifiers: ClinVar variation 2348938 (VCV002348938.4), dbSNP rs763168429, ClinGen allele CA2384923.